The following is an entry in ClinVar:

NM_012096.3(APPL1):c.797C>T (p.Pro266Leu)

Gene: APPL1 (adaptor protein, phosphotyrosine interacting with PH domain and leucine zipper 1; plus strand). Cytogenetic location: 3p14.3.
Variant type: single nucleotide variant.
Coding change: c.797C>T on transcript NM_012096.3 (MANE Select); coding-DNA position 797, C replaced by T.
Protein change: p.Pro266Leu; replaces proline 266 with leucine.
Molecular consequence: missense variant.
Genome position (GRCh38, 1-based): chr3:57,248,285, C>T. VCF-style: chr3-57248285-C-T. GRCh37 (hg19) VCF-style: chr3-57282313-C-T.
Other names: short protein forms P266L.
Identifiers: ClinVar variation 1713823 (VCV001713823.5), dbSNP rs1462598855, ClinGen allele CA353291020.

ClinVar aggregate classification (germline): Uncertain significance (1 of 4 stars; one submission).

Allele frequency attached by ClinVar (database versions not stated): gnomAD exomes below 0.00001.
gnomAD v4.1: 1 of 1,614,096 alleles (0.000062%); highest among the groups gnomAD compares: Middle Eastern, 0.016%; no homozygotes.

Submission:

Labcorp Genetics (formerly Invitae), Labcorp
Classification: Uncertain significance. Last evaluated: 2022-07-25. Review status: criteria provided, single submitter. Criteria: Invitae Variant Classification Sherloc (09022015). Collection method: clinical testing. Allele origin: germline.
Comment: This variant is present in population databases (no rsID available, gnomAD 0.0009%). This sequence change replaces proline, which is neutral and non-polar, with leucine, which is neutral and non-polar, at codon 266 of the APPL1 protein (p.Pro266Leu). In summary, the available evidence is currently insufficient to determine the role of this variant in disease. Therefore, it has been classified as a Variant of Uncertain Significance. Algorithms developed to predict the effect of missense changes on protein structure and function are either unavailable or do not agree on the potential impact of this missense change (SIFT: "Tolerated"; PolyPhen-2: "Probably Damaging"; Align-GVGD: "Class C0"). This variant has not been reported in the literature in individuals affected with APPL1-related conditions.